The following is an entry in ClinVar:

ClinVar aggregate classification (germline): Likely benign. Review status: criteria provided, multiple submitters, no conflicts (2 of 4 stars). 2 submissions from 2 submitters: Likely benign (2). Last evaluated 2024-10-30.

Allele frequency attached by ClinVar (database versions not stated): gnomAD 0.00001; TOPMed 0.00001; ExAC 0.00002; gnomAD exomes 0.00002; ESP Exome Variant Server 0.00008.
gnomAD v4.1: 36 of 1,613,208 alleles (0.0022%); highest among the groups gnomAD compares: Admixed American, 0.0033%; no homozygotes.

Submissions (2):

Labcorp Genetics (formerly Invitae), Labcorp
Classification: Likely benign. Last evaluated: 2024-10-30. Review status: criteria provided, single submitter. Criteria: Invitae Variant Classification Sherloc (09022015). Collection method: clinical testing. Allele origin: germline.

CeGaT Center for Human Genetics Tuebingen
Classification: Likely benign. Last evaluated: 2023-10-01. Review status: criteria provided, single submitter. Criteria: CeGaT Center For Human Genetics Tuebingen Variant Classification Criteria Version 2. Collection method: clinical testing. Allele origin: germline. Affected: yes. Observed: 1 variant allele.
Comment: CNOT1: BP4, BP7

NM_016284.5(CNOT1):c.480C>T (p.Tyr160=)

Gene: CNOT1 (CCR4-NOT transcription complex subunit 1; minus strand). Cytogenetic location: 16q21.
Variant type: single nucleotide variant.
Coding change: c.480C>T on transcript NM_016284.5 (MANE Select); coding-DNA position 480, C replaced by T.
Protein change: p.Tyr160=; no amino-acid change (tyrosine 160 retained).
Molecular consequence: synonymous variant. On other transcripts: non-coding transcript variant (1).
Genome position (GRCh38, 1-based): chr16:58,586,702, G>A on the plus strand (C>T on the coding strand, the complement: CNOT1 is on the minus strand). VCF-style: chr16-58586702-G-A. GRCh37 (hg19) VCF-style: chr16-58620606-G-A.
Other names: c.480C>T, p.Tyr160= (NM_001265612.2, NM_206999.3).
Identifiers: ClinVar variation 2646582 (VCV002646582.26), dbSNP rs149073546, ClinGen allele CA8090154.
Genomic context (GRCh38, chr16:58,586,702, plus strand): 5'-GACCTCTATTGCTATATCTTGGAAGCCACCTTCTTGATTTCCACTGACGTCTGCGTCAAT[G>A]TAAGAACGCAGAAGATCTGGAAGCTTCTGTTTGATAAACTGGGCAGCTAGAAGTCAGGTA-3'
Protein context (NP_057368.3, residues 150-170): KQKLPDLLRS[Tyr160=]IDADVSGNQE